The following is an entry in ClinVar:

ClinVar aggregate classification (germline): Uncertain significance. Review status: criteria provided, multiple submitters, no conflicts (2 of 4 stars). 2 submissions from 2 submitters: Uncertain significance (2). Last evaluated 2022-05-22.

Conditions:
Hypertrophic cardiomyopathy. Also called: HYPERTROPHIC MYOCARDIOPATHY. Identifiers: Orphanet 217569, MedGen C0007194, MeSH D002312, MONDO:0005045, HP:0001639.

Submissions (2):

Labcorp Genetics (formerly Invitae), Labcorp
Classification: Uncertain significance for Hypertrophic cardiomyopathy. Last evaluated: 2022-05-22. Review status: criteria provided, single submitter. Criteria: Invitae Variant Classification Sherloc (09022015). Collection method: clinical testing. Allele origin: germline.
Comment: This variant has not been reported in the literature in individuals affected with MYH7-related conditions. In summary, the available evidence is currently insufficient to determine the role of this variant in disease. Therefore, it has been classified as a Variant of Uncertain Significance. Algorithms developed to predict the effect of missense changes on protein structure and function are either unavailable or do not agree on the potential impact of this missense change (SIFT: "Tolerated"; PolyPhen-2: "Possibly Damaging"; Align-GVGD: "Class C0"). ClinVar contains an entry for this variant (Variation ID: 181294). This variant is not present in population databases (gnomAD no frequency). This sequence change replaces lysine, which is basic and polar, with glutamic acid, which is acidic and polar, at codon 18 of the MYH7 protein (p.Lys18Glu).

GeneDx
Classification: Uncertain significance. Last evaluated: 2014-05-01. Review status: criteria provided, single submitter. Criteria: GeneDx Variant Classification (06012015). Collection method: clinical testing. Allele origin: germline. Affected: yes.
Comment: p.Lys18Glu (AAG>GAG): c.52 A>G in exon 3 of the MYH7 gene (NM_000257.2). A variant of unknown significance has been identified in the MYH7 gene. The K18E variant has not been published as a mutation or as a benign polymorphism to our knowledge. The K18E variant was not observed in approximately 6,500 individuals of European and African American ancestry in the NHLBI Exome Sequencing Project, indicating it is not a common benign variant in these populations. Additionally, the K18E variant is a non-conservative amino acid substitution, which is likely to impact secondary protein structure as these residues differ in polarity, charge, size and/or other properties. Furthermore, missense mutations in nearby residues (A13T, A26V) have been reported in association with HCM, supporting the functional importance of this region of the protein. Nevertheless, this substitution occurs at a position that is conserved across species. Moreover, in silico analysis predicts this variant likely does not alter the protein structure/function. Therefore, based on the currently available information, it is unclear whether this variant is a pathogenic mutation or a rare benign variant. The variant is found in DCM-CRDM panel(s).

NM_000257.4(MYH7):c.52A>G (p.Lys18Glu)

Gene: MYH7 (myosin heavy chain 7; minus strand). Cytogenetic location: 14q11.2.
Variant type: single nucleotide variant.
Coding change: c.52A>G on transcript NM_000257.4 (MANE Select); coding-DNA position 52, A replaced by G.
Protein change: p.Lys18Glu; replaces lysine 18 with glutamic acid.
Molecular consequence: missense variant.
Genome position (GRCh38, 1-based): chr14:23,433,681, T>C on the plus strand (A>G on the coding strand, the complement: MYH7 is on the minus strand). VCF-style: chr14-23433681-T-C. GRCh37 (hg19) VCF-style: chr14-23902890-T-C.
Other names: p.K18E:AAG>GAG; c.52A>G (LRG_384t1); short protein forms K18E.
Identifiers: ClinVar variation 181294 (VCV000181294.5), dbSNP rs730880827, ClinGen allele CA015880.
Genomic context (GRCh38, chr14:23,433,681, plus strand): 5'-AGACATCCTTCTTGAGGTCAAAAGGCCTGGTCTGCGCTTCTAGCCGCTCCTTCTCTGACT[T>C]GCGCAGGTAGGGGGCGGCAGCCCCAAAGACTGCCATCTCCGAATCTCCCATGGCTGTGCC-3'
Protein context (NP_000248.2, residues 8-28): VFGAAAPYLR[Lys18Glu]SEKERLEAQT